The following is an entry in ClinVar:

ClinVar aggregate classification (germline): Uncertain significance (1 of 4 stars; one submission).

gnomAD v4.1: 2 of 1,603,172 alleles (0.00012%); highest among the groups gnomAD compares: Non-Finnish European, 0.00017%; no homozygotes.

Submission:

Ambry Genetics
Classification: Uncertain significance. Last evaluated: 2025-04-01. Review status: criteria provided, single submitter. Criteria: Ambry Variant Classification Scheme 2023. Collection method: clinical testing. Allele origin: germline.
Comment: The p.K2117Q variant (also known as c.6349A>C), located in coding exon 27 of the WNK2 gene, results from an A to C substitution at nucleotide position 6349. The lysine at codon 2117 is replaced by glutamine, an amino acid with similar properties. This amino acid position is conserved. In addition, the in silico prediction for this alteration is inconclusive. Based on the available evidence, the clinical significance of this variant remains unclear.

NM_006648.4(WNK2):c.6349A>C (p.Lys2117Gln)

Gene: WNK2 (WNK lysine deficient protein kinase 2; plus strand). Cytogenetic location: 9q22.31.
Variant type: single nucleotide variant.
Coding change: c.6349A>C on transcript NM_006648.4 (MANE Select); coding-DNA position 6349, A replaced by C.
Protein change: p.Lys2117Gln; replaces lysine 2117 with glutamine.
Molecular consequence: missense variant.
Genome position (GRCh38, 1-based): chr9:93,308,417, A>C. VCF-style: chr9-93308417-A-C. GRCh37 (hg19) VCF-style: chr9-96070699-A-C.
Other names: c.6460A>C, p.Lys2154Gln (NM_001282394.3); short protein forms K2117Q, K2154Q.
Identifiers: ClinVar variation 3981786 (VCV003981786.1).